The following is an entry in ClinVar:

NM_016333.4(SRRM2):c.3862C>T (p.Gln1288Ter)

Gene: SRRM2 (serine/arginine repetitive matrix 2; plus strand). Cytogenetic location: 16p13.3.
Variant type: single nucleotide variant.
Coding change: c.3862C>T on transcript NM_016333.4 (MANE Select); coding-DNA position 3862, C replaced by T.
Protein change: p.Gln1288Ter; replaces glutamine 1288 with a stop codon.
Molecular consequence: nonsense.
Genome position (GRCh38, 1-based): chr16:2,764,390, C>T. VCF-style: chr16-2764390-C-T. GRCh37 (hg19) VCF-style: chr16-2814391-C-T.
Other names: NM_016333.4:c.3862C>T; short protein forms Q1288*.
Identifiers: ClinVar variation 4819458 (VCV004819458.1).

ClinVar aggregate classification (germline): Likely pathogenic (1 of 4 stars; one submission).

Conditions:
Intellectual developmental disorder, autosomal dominant 72 (MRD72). Identifiers: Orphanet 652487, MedGen C5830612, MONDO:0957397, OMIM 620439.

Submission:

Broad Center for Mendelian Genomics, Broad Institute of MIT and Harvard
Classification: Likely pathogenic for Intellectual developmental disorder, autosomal dominant 72. Last evaluated: 2026-03-02. Review status: criteria provided, single submitter. Criteria: ACMG Guidelines, 2015. Collection method: research. Allele origin: germline. Inheritance: Autosomal dominant inheritance.
Comment: The heterozygous p.Gln1288Ter variant in SRRM2 was identified in 2 siblings with autosomal dominant intellectual developmental disorder-72 via a collaborative study between the Broad Institute's Center for Mendelian Genomics and the NeuroDev Study. The p.Gln1288Ter variant in SRRM2 has not been previously reported in the literature in individuals with autosomal dominant intellectual developmental disorder-72 and was absent from large population studies. This nonsense variant leads to a premature termination codon at position 1288, which is predicted to lead to a truncated or absent protein. Heterozygous loss of function of the SRRM2 gene is an established disease mechanism in autosomal dominant intellectual developmental disorder-72. In summary, although additional studies are required to fully establish its clinical significance, this variant is likely pathogenic for autosomal dominant intellectual developmental disorder-72. ACMG/AMP Criteria applied: PVS1, PM2_supporting (Richards 2015).